The following is an entry in ClinVar:

NM_031935.3(HMCN1):c.1322G>A (p.Gly441Glu)

Gene: HMCN1 (hemicentin 1; plus strand). Cytogenetic location: 1q31.1.
Variant type: single nucleotide variant.
Coding change: c.1322G>A on transcript NM_031935.3 (MANE Select); coding-DNA position 1322, G replaced by A.
Protein change: p.Gly441Glu; replaces glycine 441 with glutamic acid.
Molecular consequence: missense variant.
Genome position (GRCh38, 1-based): chr1:185,925,083, G>A. VCF-style: chr1-185925083-G-A. GRCh37 (hg19) VCF-style: chr1-185894215-G-A.
Other names: short protein forms G441E.
Identifiers: ClinVar variation 2695141 (VCV002695141.3), dbSNP rs1667211423, ClinGen allele CA343894948.

ClinVar aggregate classification (germline): Uncertain significance (1 of 4 stars; one submission).

Allele frequency attached by ClinVar (database versions not stated): gnomAD exomes below 0.00001; gnomAD 0.00001; TOPMed 0.00001.
gnomAD v4.1: 3 of 1,613,628 alleles (0.00019%); highest among the groups gnomAD compares: African/African-American, 0.004%; no homozygotes.

Submission:

Labcorp Genetics (formerly Invitae), Labcorp
Classification: Uncertain significance. Last evaluated: 2023-11-11. Review status: criteria provided, single submitter. Criteria: Invitae Variant Classification Sherloc (09022015). Collection method: clinical testing. Allele origin: germline.
Comment: This sequence change replaces glycine, which is neutral and non-polar, with glutamic acid, which is acidic and polar, at codon 441 of the HMCN1 protein (p.Gly441Glu). This variant is not present in population databases (gnomAD no frequency). This variant has not been reported in the literature in individuals affected with HMCN1-related conditions. An algorithm developed to predict the effect of missense changes on protein structure and function (PolyPhen-2) suggests that this variant is likely to be disruptive. In summary, the available evidence is currently insufficient to determine the role of this variant in disease. Therefore, it has been classified as a Variant of Uncertain Significance.